The following is an entry in ClinVar:

ClinVar aggregate classification (germline): Uncertain significance (1 of 4 stars; one submission).

Allele frequency attached by ClinVar (database versions not stated): gnomAD exomes below 0.00001.
gnomAD v4.1: 1 of 1,603,856 alleles (0.000062%); highest among the groups gnomAD compares: East Asian, 0.0022%; no homozygotes.

Submission:

Labcorp Genetics (formerly Invitae), Labcorp
Classification: Uncertain significance. Last evaluated: 2020-03-17. Review status: criteria provided, single submitter. Criteria: Invitae Variant Classification Sherloc (09022015). Collection method: clinical testing. Allele origin: germline.
Comment: In summary, the available evidence is currently insufficient to determine the role of this variant in disease. Therefore, it has been classified as a Variant of Uncertain Significance. Nucleotide substitutions within the consensus splice site are a relatively common cause of aberrant splicing (PMID: 17576681, 9536098). Algorithms developed to predict the effect of sequence changes on RNA splicing suggest that this variant may disrupt the consensus splice site, but this prediction has not been confirmed by published transcriptional studies. This sequence change replaces valine with methionine at codon 620 of the CDH23 protein (p.Val620Met). The valine residue is highly conserved and there is a small physicochemical difference between valine and methionine. This variant also falls at the last nucleotide of exon 17 of the CDH23 coding sequence, which is part of the consensus splice site for this exon. This variant is not present in population databases (ExAC no frequency). This variant has not been reported in the literature in individuals with CDH23-related conditions. Algorithms developed to predict the effect of missense changes on protein structure and function are either unavailable or do not agree on the potential impact of this missense change (SIFT: "Deleterious"; PolyPhen-2: "Not Available"; Align-GVGD: "Class C15").

Literature cited by the submitters: PubMed 17576681; PubMed 9536098.

NM_022124.6(CDH23):c.1858G>A (p.Val620Met)

Gene: CDH23 (cadherin related 23; plus strand). Cytogenetic location: 10q22.1.
Variant type: single nucleotide variant.
Coding change: c.1858G>A on transcript NM_022124.6 (MANE Select); coding-DNA position 1858, G replaced by A.
Protein change: p.Val620Met; replaces valine 620 with methionine.
Molecular consequence: missense variant.
Genome position (GRCh38, 1-based): chr10:71,679,492, G>A. VCF-style: chr10-71679492-G-A. GRCh37 (hg19) VCF-style: chr10-73439249-G-A.
Other names: c.1858G>A, p.Val620Met (NM_001171930.2, NM_001171931.2); short protein forms V620M.
Identifiers: ClinVar variation 1041687 (VCV001041687.8), dbSNP rs1339760824, ClinGen allele CA377131223.